The following is an entry in ClinVar:

ClinVar aggregate classification (germline): Conflicting classifications of pathogenicity. Review status: criteria provided, conflicting classifications (1 of 4 stars). 2 submissions from 2 submitters: Likely pathogenic (1); Uncertain significance (1). Last evaluated 2025-10-11.

Conditions:
ENG-related disorder. Also called: ENG-related condition; ENG-related disorders.
Hereditary hemorrhagic telangiectasia (HHT). Also called: ORW DISEASE; Osler Weber Rendu syndrome; OSLER-RENDU-WEBER DISEASE; Osler hemorrhagic telangiectasia syndrome. Identifiers: Orphanet 774, MedGen C0039445, MONDO:0019180. Disease mechanism: loss of function.

Submissions (2):

Labcorp Genetics (formerly Invitae), Labcorp
Classification: Uncertain significance for Hereditary hemorrhagic telangiectasia. Last evaluated: 2025-10-11. Review status: criteria provided, single submitter. Criteria: Invitae Variant Classification Sherloc (09022015). Collection method: clinical testing. Allele origin: germline.
Comment: This variant, c.835_837del, results in the deletion of 1 amino acid(s) of the ENG protein (p.Phe279del), but otherwise preserves the integrity of the reading frame. This variant is not present in population databases (gnomAD no frequency). This variant has been observed in individual(s) with hereditary hemorrhagic telangiectasia (PMID: 16542389; internal data). Experimental studies and prediction algorithms are not available or were not evaluated, and the functional significance of this variant is currently unknown. In summary, the available evidence is currently insufficient to determine the role of this variant in disease. Therefore, it has been classified as a Variant of Uncertain Significance.

Blueprint Genetics
Classification: Likely pathogenic for ENG-related disorders. Last evaluated: 2019-10-01. Review status: criteria provided, single submitter. Criteria: ACMG Guidelines, 2015. Collection method: clinical testing. Allele origin: germline. Affected: yes. Observed: 1 variant allele.

Literature cited by the submitters: PubMed 16542389 (cited by Labcorp Genetics (formerly Invitae), Labcorp).

NM_001114753.3(ENG):c.835_837del (p.Phe279del)

Gene: ENG (endoglin; minus strand). Cytogenetic location: 9q34.11.
Variant type: Deletion.
Coding change: c.835_837del on transcript NM_001114753.3 (MANE Select); coding-DNA positions 835 to 837, 3 bases deleted (TTC; older notation c.835_837delTTC).
Protein change: p.Phe279del; deletes phenylalanine 279.
Molecular consequence: inframe deletion.
Genome position (GRCh38, 1-based): chr9:127,824,954-127,824,956, GAA deleted on the plus strand (TTC on the coding strand, the reverse complement: ENG is on the minus strand); deleting any 3 consecutive bases within chr9:127,824,954-127,824,957 gives the same sequence; the c. name uses the placement nearest the transcript's 3' end. VCF-style (leftmost placement, unchanged base first): chr9-127824953-TGAA-T. GRCh37 (hg19) VCF-style: chr9-130587232-TGAA-T.
Other names: c.835_837del, p.Phe279del (NM_000118.4, NM_001406715.1); c.289_291del, p.Phe97del (NM_001278138.2); short protein forms F279del, F97del.
Identifiers: ClinVar variation 4709699 (VCV004709699.2).